The following is an entry in ClinVar:

NM_000037.4(ANK1):c.1534C>T (p.Arg512Cys)

Gene: ANK1 (ankyrin 1; minus strand). Cytogenetic location: 8p11.21.
Variant type: single nucleotide variant.
Coding change: c.1534C>T on transcript NM_000037.4 (MANE Select); coding-DNA position 1534, C replaced by T.
Protein change: p.Arg512Cys; replaces arginine 512 with cysteine.
Molecular consequence: missense variant.
Genome position (GRCh38, 1-based): chr8:41,715,720, G>A on the plus strand (C>T on the coding strand, the complement: ANK1 is on the minus strand). VCF-style: chr8-41715720-G-A. GRCh37 (hg19) VCF-style: chr8-41573238-G-A.
Other names: p.Arg512Cys; c.1633C>T, p.Arg545Cys (NM_001142446.2); c.1534C>T, p.Arg512Cys (NM_020475.3, NM_020476.3, NM_020477.3); short protein forms R512C, R545C.
Identifiers: ClinVar variation 4077910 (VCV004077910.2).

ClinVar aggregate classification (germline): Uncertain significance. Review status: criteria provided, multiple submitters, no conflicts (2 of 4 stars). 2 submissions from 2 submitters: Uncertain significance (2). Last evaluated 2024-11-26.

Conditions:
Hereditary spherocytosis type 1. Also called: Spherocytosis type 1; ANK1-Related Spherocytosis. Identifiers: Orphanet 822, MedGen C2674218, MONDO:0008447, OMIM 182900.

Submissions (2):

Mayo Clinic Laboratories, Mayo Clinic
Classification: Uncertain significance. Last evaluated: 2024-11-26. Review status: criteria provided, single submitter. Criteria: ACMG Guidelines, 2015. Collection method: clinical testing. Allele origin: germline. Observed: 1 variant allele.
Comment: PM2_supporting

Revvity Omics, Revvity
Classification: Uncertain significance for Hereditary spherocytosis type 1. Last evaluated: 2023-09-26. Review status: criteria provided, single submitter. Criteria: ACMG Guidelines, 2015. Collection method: clinical testing. Allele origin: germline.